The following is an entry in ClinVar:

ClinVar aggregate classification (germline): Uncertain significance (1 of 4 stars; one submission).

gnomAD v4.1: 3 of 1,613,762 alleles (0.00019%); highest among the groups gnomAD compares: South Asian, 0.0011%; no homozygotes.

Submission:

Mayo Clinic Laboratories, Mayo Clinic
Classification: Uncertain significance. Last evaluated: 2025-07-30. Review status: criteria provided, single submitter. Criteria: ACMG Guidelines, 2015. Collection method: clinical testing. Allele origin: germline. Observed: 1 variant allele.
Comment: BP4_moderate, PM2_supporting

NM_003560.4(PLA2G6):c.1729G>A (p.Val577Ile)

Gene: PLA2G6 (phospholipase A2 group VI; minus strand). Cytogenetic location: 22q13.1.
Variant type: single nucleotide variant.
Coding change: c.1729G>A on transcript NM_003560.4 (MANE Select); coding-DNA position 1729, G replaced by A.
Protein change: p.Val577Ile; replaces valine 577 with isoleucine.
Molecular consequence: missense variant.
Genome position (GRCh38, 1-based): chr22:38,120,772, C>T on the plus strand (G>A on the coding strand, the complement: PLA2G6 is on the minus strand). VCF-style: chr22-38120772-C-T. GRCh37 (hg19) VCF-style: chr22-38516779-C-T.
Other names: p.Val577Ile; c.1567G>A, p.Val523Ile (NM_001004426.3, NM_001199562.3, NM_001349865.2 and 1 more transcripts); c.1729G>A, p.Val577Ile (NM_001349864.2); c.1195G>A, p.Val399Ile (NM_001349867.2); c.1051G>A, p.Val351Ile (NM_001349868.2); c.1033G>A, p.Val345Ile (NM_001349869.2); short protein forms V399I, V523I, V351I, V577I, V345I.
Identifiers: ClinVar variation 4542455 (VCV004542455.1).